The following is an entry in ClinVar:

ClinVar aggregate classification (germline): Uncertain significance (1 of 4 stars; one submission).

Conditions:
Baller-Gerold syndrome (BGS). Also called: CRANIOSYNOSTOSIS WITH RADIAL DEFECTS. Identifiers: Orphanet 1225, MedGen C0265308, MONDO:0009039, OMIM 218600.

Submission:

Labcorp Genetics (formerly Invitae), Labcorp
Classification: Uncertain significance for Baller-Gerold syndrome. Last evaluated: 2021-04-15. Review status: criteria provided, single submitter. Criteria: Invitae Variant Classification Sherloc (09022015). Collection method: clinical testing. Allele origin: germline.
Comment: Experimental studies and prediction algorithms are not available or were not evaluated, and the functional significance of this variant is currently unknown. This variant has not been reported in the literature in individuals with RECQL4-related conditions. This variant is not present in population databases (ExAC no frequency). This variant, c.671_694dup, results in the insertion of 8 amino acid(s) to the RECQL4 protein (p.Glu224_Gly231dup), but otherwise preserves the integrity of the reading frame. In summary, the available evidence is currently insufficient to determine the role of this variant in disease. Therefore, it has been classified as a Variant of Uncertain Significance.

NM_004260.4(RECQL4):c.671_694dup (p.Glu224_Gly231dup)

Gene: RECQL4 (RecQ like helicase 4; minus strand). Cytogenetic location: 8q24.3.
Variant type: Duplication.
Coding change: c.671_694dup on transcript NM_004260.4 (MANE Select); coding-DNA positions 671 to 694, 24 bases duplicated (AGTCGGCTGTCCTTGGTCCTGGTG).
Protein change: p.Glu224_Gly231dup.
Molecular consequence: inframe insertion.
Genome position (GRCh38, 1-based): chr8:144,516,425-144,516,448, CACCAGGACCAAGGACAGCCGACT duplicated on the plus strand (AGTCGGCTGTCCTTGGTCCTGGTG on the coding strand, the reverse complement: RECQL4 is on the minus strand); duplicating any 24 consecutive bases within chr8:144,516,425-144,516,455 gives the same sequence; the c. name uses the placement nearest the transcript's 3' end. VCF-style (leftmost placement, unchanged base first): chr8-144516424-G-GCACCAGGACCAAGGACAGCCGACT. GRCh37 (hg19) VCF-style: chr8-145741808-G-GCACCAGGACCAAGGACAGCCGACT.
Identifiers: ClinVar variation 1503529 (VCV001503529.6), dbSNP rs1423848473, ClinGen allele CA586165519.